The following is an entry in ClinVar:

NM_199420.4(POLQ):c.6793G>A (p.Gly2265Arg)

Gene: POLQ (DNA polymerase theta; minus strand). Cytogenetic location: 3q13.33.
Variant type: single nucleotide variant.
Coding change: c.6793G>A on transcript NM_199420.4 (MANE Select); coding-DNA position 6793, G replaced by A.
Protein change: p.Gly2265Arg; replaces glycine 2265 with arginine.
Molecular consequence: missense variant.
Genome position (GRCh38, 1-based): chr3:121,468,357, C>T on the plus strand (G>A on the coding strand, the complement: POLQ is on the minus strand). VCF-style: chr3-121468357-C-T. GRCh37 (hg19) VCF-style: chr3-121187204-C-T.
Other names: short protein forms G2265R.
Identifiers: ClinVar variation 1755463 (VCV001755463.2), dbSNP rs2546770729, ClinGen allele CA354111438.

ClinVar aggregate classification (germline): Uncertain significance (1 of 4 stars; one submission).

gnomAD v4.1: 1 of 1,611,784 alleles (0.000062%); highest among the groups gnomAD compares: Non-Finnish European, 0.000085%; no homozygotes.

Submission:

Ambry Genetics
Classification: Uncertain significance. Last evaluated: 2023-11-05. Review status: criteria provided, single submitter. Criteria: Ambry Variant Classification Scheme 2023. Collection method: clinical testing. Allele origin: germline.
Comment: The p.G2265R variant (also known as c.6793G>A), located in coding exon 23 of the POLQ gene, results from a G to A substitution at nucleotide position 6793. The glycine at codon 2265 is replaced by arginine, an amino acid with dissimilar properties. This amino acid position is conserved. In addition, this alteration is predicted to be tolerated by in silico analysis. Since supporting evidence is limited at this time, the clinical significance of this alteration remains unclear.